The following is an entry in ClinVar:

ClinVar aggregate classification (germline): Uncertain significance (1 of 4 stars; one submission).

Conditions:
Biotinidase deficiency. Also called: BTD deficiency; Late-onset biotin-responsive multiple carboxylase deficiency; Biotin deficiency. Identifiers: Orphanet 79241, MedGen C0220754, MONDO:0009665, OMIM 253260.

Allele frequency attached by ClinVar (database versions not stated): TOPMed below 0.00001.

Submission:

Labcorp Genetics (formerly Invitae), Labcorp
Classification: Uncertain significance for Biotinidase deficiency. Last evaluated: 2023-10-16. Review status: criteria provided, single submitter. Criteria: Invitae Variant Classification Sherloc (09022015). Collection method: clinical testing. Allele origin: germline.
Comment: This sequence change replaces serine, which is neutral and polar, with proline, which is neutral and non-polar, at codon 528 of the BTD protein (p.Ser528Pro). This variant is not present in population databases (gnomAD no frequency). This variant has not been reported in the literature in individuals affected with BTD-related conditions. Advanced modeling of protein sequence and biophysical properties (such as structural, functional, and spatial information, amino acid conservation, physicochemical variation, residue mobility, and thermodynamic stability) performed at Invitae indicates that this missense variant is expected to disrupt BTD protein function. In summary, the available evidence is currently insufficient to determine the role of this variant in disease. Therefore, it has been classified as a Variant of Uncertain Significance.

NM_001370658.1(BTD):c.1522T>C (p.Ser508Pro)

Gene: BTD (biotinidase; plus strand). Cytogenetic location: 3p25.1.
Variant type: single nucleotide variant.
Coding change: c.1522T>C on transcript NM_001370658.1 (MANE Select); coding-DNA position 1522, T replaced by C.
Protein change: p.Ser508Pro; replaces serine 508 with proline.
Molecular consequence: missense variant. On other transcripts: intron variant (8).
Genome position (GRCh38, 1-based): chr3:15,645,438, T>C. VCF-style: chr3-15645438-T-C. GRCh37 (hg19) VCF-style: chr3-15686945-T-C.
Other names: c.1522T>C, p.Ser508Pro (NM_001281723.4, NM_001281724.3, NM_001281725.3 and 16 more transcripts); c.1015+507T>C (NM_001370752.1, NM_001407379.1); c.399+3381T>C (NM_001370753.1, NM_001407400.1, NM_001407380.1 and 3 more transcripts); short protein forms S508P.
Identifiers: ClinVar variation 2975918 (VCV002975918.3), dbSNP rs1479878188, ClinGen allele CA351962509.
Genomic context (GRCh38, chr3:15,645,438, plus strand): 5'-GTCCCTGACCAGCTTGGCTGGGAGAATGACCACTATTTCCTGAGGAAAAGTAGGCTGTCC[T>C]CTGGGCTGGTGACGGCGGCTCTCTATGGGCGCTTGTATGAGAGGGACTAGGAAAAGTGTG-3'
Protein context (NP_001357587.1, residues 498-518): HYFLRKSRLS[Ser508Pro]GLVTAALYGR